The following is an entry in ClinVar:

ClinVar aggregate classification (germline): Conflicting classifications of pathogenicity. Review status: criteria provided, conflicting classifications (1 of 4 stars). 3 submissions from 3 submitters: Uncertain significance (1); Likely benign (1). 1 of the submissions does not count toward it. Last evaluated 2024-09-17.

Conditions:
Peroxisome biogenesis disorder 11A (Zellweger). Also called: Peroxisome biogenesis disorder 11A. Identifiers: Orphanet 912, MedGen C3554000, MONDO:0013949, OMIM 614883.
PEX13-related disorder. Also called: PEX13-related condition; PEX13-related disorders.

Allele frequency attached by ClinVar (database versions not stated): gnomAD exomes 0.00004 and 0.00006; gnomAD 0.00005 and 0.00006; ExAC 0.00007; TOPMed 0.00007; ESP Exome Variant Server 0.00008; 1000 Genomes Project 30x 0.00016; 1000 Genomes Project 0.00020.
gnomAD v4.1: 75 of 1,613,836 alleles (0.0046%); highest among the groups gnomAD compares: Middle Eastern, 0.12%; no homozygotes.

Submissions (3):

Blueprint Genetics
Classification: Likely benign. Last evaluated: 2024-09-17. Review status: criteria provided, single submitter. Criteria: ACMG Guidelines, 2015. Collection method: clinical testing. Allele origin: germline.

Labcorp Genetics (formerly Invitae), Labcorp
Classification: Uncertain significance for Peroxisome biogenesis disorder 11A (Zellweger). Last evaluated: 2024-01-22. Review status: criteria provided, single submitter. Criteria: Invitae Variant Classification Sherloc (09022015). Collection method: clinical testing. Allele origin: germline.
Comment: This sequence change replaces leucine, which is neutral and non-polar, with valine, which is neutral and non-polar, at codon 221 of the PEX13 protein (p.Leu221Val). This variant is present in population databases (rs192034592, gnomAD 0.02%). This variant has not been reported in the literature in individuals affected with PEX13-related conditions. ClinVar contains an entry for this variant (Variation ID: 840010). Advanced modeling of protein sequence and biophysical properties (such as structural, functional, and spatial information, amino acid conservation, physicochemical variation, residue mobility, and thermodynamic stability) performed at Invitae indicates that this missense variant is not expected to disrupt PEX13 protein function with a negative predictive value of 80%. In summary, the available evidence is currently insufficient to determine the role of this variant in disease. Therefore, it has been classified as a Variant of Uncertain Significance.

PreventionGenetics, part of Exact Sciences
Classification: Uncertain significance for PEX13-related condition. Last evaluated: 2024-04-16. Review status: no assertion criteria provided. Collection method: clinical testing. Allele origin: germline. Not counted in ClinVar's aggregate classification.
Comment: The PEX13 c.661C>G variant is predicted to result in the amino acid substitution p.Leu221Val. To our knowledge, this variant has not been reported in the literature. This variant is reported in 0.016% of alleles in individuals of South Asian descent in gnomAD. At this time, the clinical significance of this variant is uncertain due to the absence of conclusive functional and genetic evidence.

NM_002618.4(PEX13):c.661C>G (p.Leu221Val)

Gene: PEX13 (peroxisomal biogenesis factor 13; plus strand). Cytogenetic location: 2p15.
Variant type: single nucleotide variant.
Coding change: c.661C>G on transcript NM_002618.4 (MANE Select); coding-DNA position 661, C replaced by G.
Protein change: p.Leu221Val; replaces leucine 221 with valine.
Molecular consequence: missense variant.
Genome position (GRCh38, 1-based): chr2:61,031,987, C>G. VCF-style: chr2-61031987-C-G. GRCh37 (hg19) VCF-style: chr2-61259122-C-G.
Other names: short protein forms L221V.
Identifiers: ClinVar variation 840010 (VCV000840010.10), dbSNP rs192034592, ClinGen allele CA1673329.